The following is an entry in ClinVar:

ClinVar aggregate classification (germline): Benign. Review status: criteria provided, single submitter (1 of 4 stars). 2 submissions from 2 submitters: Benign (1). 1 of the submissions does not count toward it. Last evaluated 2019-01-01.

Conditions:
MYO16-related disorder. Also called: MYO16-related condition.

Allele frequency attached by ClinVar (database versions not stated): gnomAD exomes 0.00046 and 0.00111; ExAC 0.00149; gnomAD 0.00481 and 0.00509; TOPMed 0.00526; ESP Exome Variant Server 0.00577; 1000 Genomes Project 0.00699; 1000 Genomes Project 30x 0.00765.
gnomAD v4.1: 1,425 of 1,603,122 alleles (0.089%); highest among the groups gnomAD compares: African/African-American, 1.7%; 10 homozygotes.

Submissions (2):

Labcorp Genetics (formerly Invitae), Labcorp
Classification: Benign. Last evaluated: 2019-01-01. Review status: criteria provided, single submitter. Criteria: Invitae Variant Classification Sherloc (09022015). Collection method: clinical testing. Allele origin: germline.

PreventionGenetics, part of Exact Sciences
Classification: Benign for MYO16-related condition. Last evaluated: 2019-10-28. Review status: no assertion criteria provided. Collection method: clinical testing. Allele origin: germline. Not counted in ClinVar's aggregate classification.
Comment: This variant is classified as benign based on ACMG/AMP sequence variant interpretation guidelines (Richards et al. 2015 PMID: 25741868, with internal and published modifications).

NM_001198950.3(MYO16):c.2370-7G>A

Gene: MYO16 (myosin XVI; plus strand). Cytogenetic location: 13q33.3.
Variant type: single nucleotide variant.
Coding change: c.2370-7G>A on transcript NM_001198950.3 (MANE Select); 7 bases into the intron before coding-DNA position 2370, G replaced by A.
Molecular consequence: intron variant.
Genome position (GRCh38, 1-based): chr13:108,992,369, G>A. VCF-style: chr13-108992369-G-A. GRCh37 (hg19) VCF-style: chr13-109644717-G-A.
Other names: c.2304-7G>A (NM_015011.3).
Identifiers: ClinVar variation 726811 (VCV000726811.5), dbSNP rs114315469, ClinGen allele CA7045058.
Genomic context (GRCh38, chr13:108,992,369, plus strand): 5'-AATGAAAAGAGGGTCATGAAGGAGTTTTAAGGATGCCCATTTATCCTGGTGTATTGTTTT[G>A]TTTCAGCATGCAGACATTGGATATTGGAATATTGGACATTTTTGGTTTTGAAGAGTTTCA-3'